The following is an entry in ClinVar:

ClinVar aggregate classification (germline): Uncertain significance. Review status: criteria provided, multiple submitters, no conflicts (2 of 4 stars). 3 submissions from 3 submitters: Uncertain significance (3). Last evaluated 2026-09-16.

Conditions:
TNXB-related disorder. Also called: TNXB-related condition.
Cardiovascular phenotype. Identifiers: MedGen CN230736.

Allele frequency attached by ClinVar (database versions not stated): gnomAD exomes 0.00001 and 0.00002; gnomAD 0.00006; TOPMed 0.00009.
gnomAD v4.1: 38 of 1,610,772 alleles (0.0024%); highest among the groups gnomAD compares: Admixed American, 0.043%; no homozygotes.

Submissions (3):

GeneDx
Classification: Uncertain significance. Last evaluated: 2026-09-16. Review status: criteria provided, single submitter. Criteria: GeneDx Variant Classification Process June 2021. Collection method: clinical testing. Allele origin: germline.
Comment: Has not been previously published as pathogenic or benign to our knowledge; Not observed at significant frequency in large population cohorts (gnomAD); In silico analysis supports that this missense variant has a deleterious effect on protein structure/function

PreventionGenetics, part of Exact Sciences
Classification: Uncertain significance for TNXB-related condition. Last evaluated: 2026-09-04. Review status: criteria provided, single submitter. Criteria: ACMG Guidelines, 2015. Collection method: clinical testing. Allele origin: germline.
Comment: The TNXB c.7784A>T variant is predicted to result in the amino acid substitution p.Glu2595Val. To our knowledge, this variant has not been reported in the literature. This variant is reported in 0.0084% of alleles in individuals of African descent in gnomAD. At this time, the clinical significance of this variant is uncertain due to the absence of conclusive functional and genetic evidence.

Ambry Genetics
Classification: Uncertain significance for Cardiovascular phenotype. Last evaluated: 2022-04-29. Review status: criteria provided, single submitter. Criteria: Ambry Variant Classification Scheme 2023. Collection method: clinical testing. Allele origin: germline.
Comment: The p.E2595V variant (also known as c.7784A>T), located in coding exon 21 of the TNXB gene, results from an A to T substitution at nucleotide position 7784. The glutamic acid at codon 2595 is replaced by valine, an amino acid with dissimilar properties. This amino acid position is poorly conserved in available vertebrate species. In addition, this alteration is predicted to be tolerated by in silico analysis. Since supporting evidence is limited at this time, the clinical significance of this alteration remains unclear.

NM_001365276.2(TNXB):c.7784A>T (p.Glu2595Val)

Gene: TNXB (tenascin XB; minus strand). Cytogenetic location: 6p21.33.
Variant type: single nucleotide variant.
Coding change: c.7784A>T on transcript NM_001365276.2 (MANE Select); coding-DNA position 7784, A replaced by T.
Protein change: p.Glu2595Val; replaces glutamic acid 2595 with valine.
Molecular consequence: missense variant.
Genome position (GRCh38, 1-based): chr6:32,058,099, T>A on the plus strand (A>T on the coding strand, the complement: TNXB is on the minus strand). VCF-style: chr6-32058099-T-A. GRCh37 (hg19) VCF-style: chr6-32025876-T-A.
Other names: c.7784A>T, p.Glu2595Val (NM_019105.8); short protein forms E2595V.
Identifiers: ClinVar variation 1254614 (VCV001254614.11), dbSNP rs1053418415, ClinGen allele CA136906533.